The following is an entry in ClinVar:

ClinVar aggregate classification (germline): Pathogenic (1 of 4 stars; one submission).

Conditions:
Neurofibromatosis, type 1 (NF1). Also called: VON RECKLINGHAUSEN DISEASE; Peripheral type neurofibromatosis; NEUROFIBROMATOSIS, TYPE I, SOMATIC; Neurofibromatosis, type I. Identifiers: Orphanet 636, MedGen C0027831, MONDO:0018975, OMIM 162200. Disease mechanism: loss of function.

Submission:

Department of Genetics, Sultan Qaboos University Hospital
Classification: Pathogenic for Neurofibromatosis, type 1. Last evaluated: 2026-04-01. Review status: criteria provided, single submitter. Criteria: ACMG Guidelines, 2015. Collection method: clinical testing. Allele origin: germline. Affected: yes. Observed: 1 variant allele.
Comment: PVS1,PM2

NM_001042492.3(NF1):c.5696_5699del (p.Cys1899fs)

Gene: NF1 (neurofibromin 1; plus strand). Cytogenetic location: 17q11.2.
Variant type: Deletion.
Coding change: c.5696_5699del on transcript NM_001042492.3 (MANE Select); coding-DNA positions 5696 to 5699, 4 bases deleted (GTAT; older notation c.5696_5699delGTAT).
Protein change: p.Cys1899fs; shifts the reading frame from cysteine 1899.
Molecular consequence: frameshift variant.
Genome position (GRCh38, 1-based): chr17:31,330,382-31,330,385, GTAT deleted; deleting any 4 consecutive bases within chr17:31,330,379-31,330,385 gives the same sequence; the c. name uses the placement nearest the transcript's 3' end. VCF-style (leftmost placement, unchanged base first): chr17-31330378-TTATG-T. GRCh37 (hg19) VCF-style: chr17-29657396-TTATG-T.
Other names: c.5633_5636del, p.Cys1878fs (NM_000267.4); c.5696_5699delGTAT, p.Cys1899Serfs (NM_001042492.2); short protein forms C1878fs, C1899fs.
Identifiers: ClinVar variation 4823929 (VCV004823929.1).